The following is an entry in ClinVar:

ClinVar aggregate classification (germline): Uncertain significance. Review status: criteria provided, multiple submitters, no conflicts (2 of 4 stars). 4 submissions from 4 submitters: Uncertain significance (3). 1 of the submissions does not count toward it. Last evaluated 2025-03-17.

Conditions:
Breast-ovarian cancer, familial, susceptibility to, 1 (BROVCA1). Also called: BRCA1 Hereditary Breast and Ovarian Cancer; OVARIAN CANCER, SUSCEPTIBILITY TO. Identifiers: Orphanet 145, MedGen C2676676, MONDO:0011450, OMIM 604370. Disease mechanism: loss of function.
Hereditary cancer-predisposing syndrome. Also called: Hereditary Cancer Syndrome; Neoplastic Syndromes, Hereditary; Hereditary neoplastic syndrome; Tumor predisposition. Identifiers: Orphanet 140162, MedGen C0027672, MeSH D009386, MONDO:0015356.
Hereditary breast ovarian cancer syndrome. Also called: Hereditary breast and/or ovarian cancer syndrome; Hereditary breast and ovarian cancer syndrome; Hereditary breast and ovarian cancer; Hereditary breast and ovarian cancer syndrome (HBOC); Breast and ovarian cancer; BRCA1- and BRCA2-Associated Hereditary Breast and Ovarian Cancer. Identifiers: Orphanet 145, MedGen C0677776, MeSH D061325, MONDO:0003582. Disease mechanism: loss of function.

Allele frequency attached by ClinVar (database versions not stated): gnomAD exomes below 0.00001; TOPMed below 0.00001.
gnomAD v4.1: 1 of 1,614,144 alleles (0.000062%); highest among the groups gnomAD compares: Non-Finnish European, 0.000085%; no homozygotes.

Submissions (5):

Ambry Genetics
Classification: Uncertain significance for Hereditary cancer-predisposing syndrome. Last evaluated: 2025-03-17. Review status: criteria provided, single submitter. Criteria: Ambry Variant Classification Scheme 2023. Collection method: clinical testing. Allele origin: germline.
Comment: The p.C1768G variant (also known as c.5302T>G), located in coding exon 19 of the BRCA1 gene, results from a T to G substitution at nucleotide position 5302. The cysteine at codon 1768 is replaced by glycine, an amino acid with highly dissimilar properties. One functional study found that this nucleotide substitution had intermediate function in a high throughput genome editing haploid cell survival assay (Findlay GM et al. Nature, 2018 Oct;562:217-222). This amino acid position is highly conserved in available vertebrate species. In addition, this alteration is predicted to be deleterious by in silico analysis. Based on the available evidence, the clinical significance of this variant remains unclear.

Labcorp Genetics (formerly Invitae), Labcorp
Classification: Uncertain significance for Hereditary breast ovarian cancer syndrome. Last evaluated: 2025-02-04. Review status: criteria provided, single submitter. Criteria: Invitae Variant Classification Sherloc (09022015). Collection method: clinical testing. Allele origin: germline.
Comment: This sequence change replaces cysteine, which is neutral and slightly polar, with glycine, which is neutral and non-polar, at codon 1768 of the BRCA1 protein (p.Cys1768Gly). This variant is not present in population databases (gnomAD no frequency). This variant has not been reported in the literature in individuals affected with BRCA1-related conditions. ClinVar contains an entry for this variant (Variation ID: 96948). Invitae Evidence Modeling of protein sequence and biophysical properties (such as structural, functional, and spatial information, amino acid conservation, physicochemical variation, residue mobility, and thermodynamic stability) indicates that this missense variant is expected to disrupt BRCA1 protein function with a positive predictive value of 95%. Experimental studies are conflicting or provide insufficient evidence to determine the effect of this variant on BRCA1 function (PMID: 30209399). In summary, the available evidence is currently insufficient to determine the role of this variant in disease. Therefore, it has been classified as a Variant of Uncertain Significance.

Quest Diagnostics Nichols Institute San Juan Capistrano
Classification: Uncertain significance. Last evaluated: 2024-03-23. Review status: criteria provided, single submitter. Criteria: Quest Diagnostics criteria. Collection method: clinical testing. Allele origin: unknown.
Comment: The BRCA1 c.5302T>G (p.Cys1768Gly) variant has been reported in the published functional studies to have inconclusive results on the effect of protein function (PMIDs: 35196514 (2022), 30209399 (2018)). Additionally, this variant has been reported to be located in a region of the BRCA1 gene that is tolerant to missense sequence changes (PMID: 31911673 (2020)). This variant has not been reported in large, multi-ethnic general populations (Genome Aggregation Database). Analysis of this variant using bioinformatics tools for the prediction of the effect of amino acid changes on protein structure and function yielded conflicting predictions that this variant is deleterious or benign. Based on the available information, we are unable to determine the clinical significance of this variant.

Sharing Clinical Reports Project (SCRP)
Classification: Uncertain significance for Breast-ovarian cancer, familial 1. Last evaluated: 2012-05-01. Review status: no assertion criteria provided. Collection method: clinical testing. Allele origin: germline. Not counted in ClinVar's aggregate classification.

Brotman Baty Institute, University of Washington
No classification provided (evidence only). Condition: Breast-ovarian cancer, familial 1. Review status: no classification provided. Collection method: in vitro. Allele origin: not applicable. Functional consequence: function_uncertain_variant. Not counted in ClinVar's aggregate classification.
ClinVar note: "not provided" was previously submitted as the classification for the variant. However, the classification appeared to be based only on an observation of functional data so it was converted to no classification on 2025-07-30.

Literature cited by the submitters: PubMed 30209399 (cited by 3 submitters); PubMed 28526081 (cited by Quest Diagnostics Nichols Institute San Juan Capistrano); PubMed 29884841 (cited by Quest Diagnostics Nichols Institute San Juan Capistrano); PubMed 31853058 (cited by Quest Diagnostics Nichols Institute San Juan Capistrano); PubMed 31911673 (cited by Quest Diagnostics Nichols Institute San Juan Capistrano); PubMed 32377563 (cited by Quest Diagnostics Nichols Institute San Juan Capistrano); PubMed 33087888 (cited by Quest Diagnostics Nichols Institute San Juan Capistrano); PubMed 34793697 (cited by Quest Diagnostics Nichols Institute San Juan Capistrano); PubMed 35196514 (cited by Quest Diagnostics Nichols Institute San Juan Capistrano).

NM_007294.4(BRCA1):c.5302T>G (p.Cys1768Gly)

Gene: BRCA1 (BRCA1 DNA repair associated; minus strand). Cytogenetic location: 17q21.31.
Variant type: single nucleotide variant.
Coding change: c.5302T>G on transcript NM_007294.4 (MANE Select); coding-DNA position 5302, T replaced by G.
Protein change: p.Cys1768Gly; replaces cysteine 1768 with glycine.
Molecular consequence: missense variant. On other transcripts: non-coding transcript variant (1).
Genome position (GRCh38, 1-based): chr17:43,051,093, A>C on the plus strand (T>G on the coding strand, the complement: BRCA1 is on the minus strand). VCF-style: chr17-43051093-A-C. GRCh37 (hg19) VCF-style: chr17-41203110-A-C.
Other names: 5421T>G; c.5089T>G, p.Cys1697Gly (NM_001407571.1, NM_001407894.1, NM_001407895.1 and 12 more transcripts); c.5368T>G, p.Cys1790Gly (NM_001407581.1, NM_001407582.1); c.5365T>G, p.Cys1789Gly (NM_001407583.1, NM_001407585.1, NM_001407587.1 and 1 more transcripts); c.5362T>G, p.Cys1788Gly (NM_001407590.1, NM_001407591.1); c.5302T>G, p.Cys1768Gly (NM_001407593.1, NM_001407594.1, NM_001407596.1 and 6 more transcripts); c.5299T>G, p.Cys1767Gly (NM_001407620.1, NM_001407621.1, NM_001407622.1 and 17 more transcripts); c.5296T>G, p.Cys1766Gly (NM_001407627.1, NM_001407628.1, NM_001407639.1 and 14 more transcripts); and 73 more; short protein forms C1768G, C1789G, C664G, C1721G, C1680G, C1720G, C1740G, C1765G.
Identifiers: ClinVar variation 96948 (VCV000096948.21), dbSNP rs431825416, ClinGen allele CA003454.